The following is an entry in ClinVar:

NM_005045.4(RELN):c.3398A>G (p.Tyr1133Cys)

Gene: RELN (reelin; minus strand). Cytogenetic location: 7q22.1.
Variant type: single nucleotide variant.
Coding change: c.3398A>G on transcript NM_005045.4 (MANE Select); coding-DNA position 3398, A replaced by G.
Protein change: p.Tyr1133Cys; replaces tyrosine 1133 with cysteine.
Molecular consequence: missense variant.
Genome position (GRCh38, 1-based): chr7:103,596,597, T>C on the plus strand (A>G on the coding strand, the complement: RELN is on the minus strand). VCF-style: chr7-103596597-T-C. GRCh37 (hg19) VCF-style: chr7-103237044-T-C.
Other names: c.3398A>G, p.Tyr1133Cys (NM_173054.3); short protein forms Y1133C.
Identifiers: ClinVar variation 3364288 (VCV003364288.1).

ClinVar aggregate classification (germline): Uncertain significance (1 of 4 stars; one submission).

gnomAD v4.1: 2 of 1,614,056 alleles (0.00012%); highest among the groups gnomAD compares: Non-Finnish European, 0.000085%; no homozygotes.

Submission:

GeneDx
Classification: Uncertain significance. Last evaluated: 2023-11-12. Review status: criteria provided, single submitter. Criteria: GeneDx Variant Classification Process June 2021. Collection method: clinical testing. Allele origin: germline. Affected: yes.
Comment: Not observed at significant frequency in large population cohorts (gnomAD); In silico analysis supports that this missense variant has a deleterious effect on protein structure/function; Has not been previously published as pathogenic or benign to our knowledge